The following is an entry in ClinVar:

NM_181078.3(IL21R):c.1331G>A (p.Ser444Asn)

Genes: IL21R (interleukin 21 receptor; plus strand), IL21R-AS1 (IL21R antisense RNA 1; minus strand). Cytogenetic location: 16p12.1.
Variant type: single nucleotide variant.
Coding change: c.1331G>A on transcript NM_181078.3 (MANE Select); coding-DNA position 1331, G replaced by A.
Protein change: p.Ser444Asn; replaces serine 444 with asparagine.
Molecular consequence: missense variant. On other transcripts: non-coding transcript variant (1).
Genome position (GRCh38, 1-based): chr16:27,448,997, G>A. VCF-style: chr16-27448997-G-A. GRCh37 (hg19) VCF-style: chr16-27460318-G-A.
Other names: c.1397G>A (NM_181079.4); c.1331G>A, p.Ser444Asn (NM_021798.4); c.1397G>A, p.Ser466Asn (NM_181079.5); short protein forms S466N, S444N.
Identifiers: ClinVar variation 951895 (VCV000951895.10), dbSNP rs528051527, ClinGen allele CA7975189.

ClinVar aggregate classification (germline): Uncertain significance. Review status: criteria provided, multiple submitters, no conflicts (2 of 4 stars). 3 submissions from 3 submitters: Uncertain significance (3). Last evaluated 2025-02-04.

Conditions:
Inborn genetic diseases. Identifiers: MedGen C0950123, MeSH D030342.
Cryptosporidiosis-chronic cholangitis-liver disease syndrome. Also called: IL21R immunodeficiency; Immunodeficiency type 56. Identifiers: Orphanet 357329, MedGen C3554687, MONDO:0014082, OMIM 615207.

Allele frequency attached by ClinVar (database versions not stated): ExAC 0.00003; gnomAD exomes 0.00003 and 0.00007; gnomAD 0.00005; TOPMed 0.00005.
gnomAD v4.1: 112 of 1,612,626 alleles (0.0069%); highest among the groups gnomAD compares: Non-Finnish European, 0.0092%; no homozygotes.

Submissions (3):

Ambry Genetics
Classification: Uncertain significance for Inborn genetic diseases. Last evaluated: 2025-02-04. Review status: criteria provided, single submitter. Criteria: Ambry Variant Classification Scheme 2023. Collection method: clinical testing. Allele origin: germline.

Labcorp Genetics (formerly Invitae), Labcorp
Classification: Uncertain significance for Cryptosporidiosis-chronic cholangitis-liver disease syndrome. Last evaluated: 2022-10-03. Review status: criteria provided, single submitter. Criteria: Invitae Variant Classification Sherloc (09022015). Collection method: clinical testing. Allele origin: germline.
Comment: In summary, the available evidence is currently insufficient to determine the role of this variant in disease. Therefore, it has been classified as a Variant of Uncertain Significance. Advanced modeling of protein sequence and biophysical properties (such as structural, functional, and spatial information, amino acid conservation, physicochemical variation, residue mobility, and thermodynamic stability) performed at Invitae indicates that this missense variant is not expected to disrupt IL21R protein function. ClinVar contains an entry for this variant (Variation ID: 951895). This variant has not been reported in the literature in individuals affected with IL21R-related conditions. This variant is present in population databases (rs528051527, gnomAD 0.006%). This sequence change replaces serine, which is neutral and polar, with asparagine, which is neutral and polar, at codon 444 of the IL21R protein (p.Ser444Asn).

Blueprint Genetics
Classification: Uncertain significance. Last evaluated: 2022-01-14. Review status: criteria provided, single submitter. Criteria: ACMG Guidelines, 2015. Collection method: clinical testing. Allele origin: germline.